The following is an entry in ClinVar:

NM_001164508.2(NEB):c.21946-5del

Genes: NEB (nebulin; minus strand), RIF1 (replication timing regulatory factor 1; plus strand). Cytogenetic location: 2q23.3.
Variant type: Deletion.
Coding change: c.21946-5del on transcript NM_001164508.2 (MANE Select); 5 bases into the intron before coding-DNA position 21946, one base deleted (T; older notation c.21946-5delT).
Molecular consequence: intron variant.
Genome position (GRCh38, 1-based): chr2:151,526,267, A deleted on the plus strand (T on the coding strand, the reverse complement: NEB is on the minus strand). VCF-style (leftmost placement, unchanged base first): chr2-151526266-CA-C. GRCh37 (hg19) VCF-style: chr2-152382780-CA-C.
Other names: c.22051-5delT (NM_001271208.1); c.16843-5del (NM_004543.5); c.21946-5del (NM_001164507.2); c.22051-5del (NM_001271208.2).
Identifiers: ClinVar variation 2871634 (VCV002871634.5), dbSNP rs1372189720, ClinGen allele CA758871403.

ClinVar aggregate classification (germline): Likely benign. Review status: criteria provided, single submitter (1 of 4 stars). 2 submissions from 2 submitters: Likely benign (1). 1 of the submissions does not count toward it. Last evaluated 2024-10-21.

Conditions:
NEB-related disorder. Also called: NEB-Related Disorders; NEB-related condition.
Nemaline myopathy 2 (NEM2). Also called: Nemaline myopathy 2, autosomal recessive. Identifiers: MedGen C1850569, MONDO:0009725, OMIM 256030.

Allele frequency attached by ClinVar (database versions not stated): TOPMed below 0.00001.

Submissions (2):

Labcorp Genetics (formerly Invitae), Labcorp
Classification: Likely benign for Nemaline myopathy 2. Last evaluated: 2024-10-21. Review status: criteria provided, single submitter. Criteria: Invitae Variant Classification Sherloc (09022015). Collection method: clinical testing. Allele origin: germline.

PreventionGenetics, part of Exact Sciences
Classification: Likely benign for NEB-related condition. Last evaluated: 2019-05-30. Review status: no assertion criteria provided. Collection method: clinical testing. Allele origin: germline. Not counted in ClinVar's aggregate classification.
Comment: This variant is classified as likely benign based on ACMG/AMP sequence variant interpretation guidelines (Richards et al. 2015 PMID: 25741868, with internal and published modifications).